The following is an entry in ClinVar:

NM_000479.5(AMH):c.906G>A (p.Arg302=)

Gene: AMH (anti-Mullerian hormone; plus strand). Cytogenetic location: 19p13.3.
Variant type: single nucleotide variant.
Coding change: c.906G>A on transcript NM_000479.5 (MANE Select); coding-DNA position 906, G replaced by A.
Protein change: p.Arg302=; no amino-acid change (arginine 302 retained).
Molecular consequence: synonymous variant.
Genome position (GRCh38, 1-based): chr19:2,251,180, G>A. VCF-style: chr19-2251180-G-A. GRCh37 (hg19) VCF-style: chr19-2251179-G-A.
Identifiers: ClinVar variation 2059646 (VCV002059646.9), dbSNP rs758405250, ClinGen allele CA9063008.

ClinVar aggregate classification (germline): Likely benign. Review status: criteria provided, multiple submitters, no conflicts (2 of 4 stars). 2 submissions from 2 submitters: Likely benign (2). Last evaluated 2026-01-14.

Allele frequency attached by ClinVar (database versions not stated): ExAC 0.00028.
gnomAD v4.1: 215 of 1,512,882 alleles (0.014%); highest among the groups gnomAD compares: Non-Finnish European, 0.015%; no homozygotes.

Submissions (2):

Labcorp Genetics (formerly Invitae), Labcorp
Classification: Likely benign. Last evaluated: 2026-01-14. Review status: criteria provided, single submitter. Criteria: Invitae Variant Classification Sherloc (09022015). Collection method: clinical testing. Allele origin: germline.

CeGaT Center for Human Genetics Tuebingen
Classification: Likely benign. Last evaluated: 2025-12-01. Review status: criteria provided, single submitter. Criteria: CeGaT Center For Human Genetics Tuebingen Variant Classification Criteria Version 2. Collection method: clinical testing. Allele origin: germline. Affected: yes. Observed: 1 variant allele.
Comment: AMH: BP4, BP7